The following is an entry in ClinVar:

ClinVar aggregate classification (germline): Conflicting classifications of pathogenicity. Review status: criteria provided, conflicting classifications (1 of 4 stars). 8 submissions from 7 submitters: Uncertain significance (5); Benign (1); Likely benign (2). Last evaluated 2026-07-01.

Conditions:
Cardiovascular phenotype. Identifiers: MedGen CN230736.
Hereditary cancer-predisposing syndrome. Also called: Neoplastic Syndromes, Hereditary; Tumor predisposition; Hereditary Cancer Syndrome; Hereditary neoplastic syndrome. Identifiers: Orphanet 140162, MedGen C0027672, MeSH D009386, MONDO:0015356.
Neurofibromatosis, type 1 (NF1). Also called: VON RECKLINGHAUSEN DISEASE; Peripheral type neurofibromatosis; NEUROFIBROMATOSIS, TYPE I, SOMATIC; Neurofibromatosis, type I. Identifiers: Orphanet 636, MedGen C0027831, MONDO:0018975, OMIM 162200. Disease mechanism: loss of function.

Allele frequency attached by ClinVar (database versions not stated): gnomAD 0.00001; TOPMed 0.00001; ExAC 0.00002; gnomAD exomes 0.00002.
gnomAD v4.1: 6 of 1,611,854 alleles (0.00037%); highest among the groups gnomAD compares: Admixed American, 0.01%; no homozygotes.

Submissions (8):

CeGaT Center for Human Genetics Tuebingen
Classification: Uncertain significance. Last evaluated: 2026-07-01. Review status: criteria provided, single submitter. Criteria: CeGaT Center For Human Genetics Tuebingen Variant Classification Criteria Version 2. Collection method: clinical testing. Allele origin: germline. Affected: yes. Observed: 1 variant allele.

Labcorp Genetics (formerly Invitae), Labcorp
Classification: Benign for Neurofibromatosis, type 1. Last evaluated: 2025-12-31. Review status: criteria provided, single submitter. Criteria: Invitae Variant Classification Sherloc (09022015). Collection method: clinical testing. Allele origin: germline.

Ambry Genetics
Classification: Likely benign for Cardiovascular phenotype; Hereditary cancer-predisposing syndrome. Last evaluated: 2023-03-06. Review status: criteria provided, single submitter. Criteria: Ambry Variant Classification Scheme 2023. Collection method: clinical testing. Allele origin: germline.

St. Jude Molecular Pathology, St. Jude Children's Research Hospital
Classification: Uncertain significance for Neurofibromatosis, type 1. Last evaluated: 2022-10-06. Review status: criteria provided, single submitter. Criteria: St. Jude Assertion Criteria 2020. Collection method: clinical testing. Allele origin: germline.
Comment: The NF1 c.2581G>C (p.Ala861Pro) missense change has a maximum subpopulation frequency of 0.017% in gnomAD v2.1.1. The in silico tool REVEL predicts a benign effect on protein function, but to our knowledge this prediction has not been confirmed by functional studies. A case-control study of 1054 BRCA-mutation–negative women with hereditary breast cancer and 1199 controls indicated that the variant is present in approximately equal proportions of cases and controls with an odds ratio of 1.1 (PMID: 31206626). To our knowledge, this variant has not been reported in individuals with Neurofibromatosis type 1. In summary, the evidence currently available is insufficient to determine the clinical significance of this variant. It has therefore been classified as of uncertain significance.

Women's Health and Genetics/Laboratory Corporation of America, LabCorp
Classification: Uncertain significance. Last evaluated: 2021-10-25. Review status: criteria provided, single submitter. Criteria: LabCorp Variant Classification Summary - May 2015. Collection method: clinical testing. Allele origin: germline.
Comment: Variant summary: NF1 c.2581G>C (p.Ala861Pro) results in a non-conservative amino acid change in the encoded protein sequence. Three of five in-silico tools predict a benign effect of the variant on protein function. The variant allele was found at a frequency of 2.4e-05 in 250864 control chromosomes. The available data on variant occurrences in the general population are insufficient to allow any conclusion about variant significance. c.2581G>C has been reported in the literature in individuals affected with Neurofibromatosis Type 1 (Koczkowska_2018), and breast cancer (Weitzel_2019). These reports do not provide unequivocal conclusions about association of the variant with Neurofibromatosis Type 1. To our knowledge, no experimental evidence demonstrating an impact on protein function has been reported. Three clinical diagnostic laboratories have submitted clinical-significance assessments for this variant to ClinVar after 2014 without evidence for independent evaluation (2 VUS, 1 likely benign). Based on the evidence outlined above, the variant was classified as uncertain significance.

Sema4
Classification: Uncertain significance for Hereditary cancer-predisposing syndrome. Last evaluated: 2021-05-19. Review status: criteria provided, single submitter. Criteria: Sema4 Curation Guidelines. Collection method: curation. Allele origin: germline.
Comment: The NF1 c.2581G>C (p.A861P) variant has not been reported in the literature to our knowledge. It was observed in 6/250864 chromosomes of the Latino subpopulation in the large and broad cohorts of the Genome Aggregation Database. The variant has been reported in ClinVar (Variation ID 2330343). In silico tools suggest the impact of the variant on protein function is benign, though these predictions have not been confirmed by functional studies. The evidence is insufficient to meet ACMG/AMP criteria for classifying the variant as benign or pathogenic. Thus, the clinical significance of this variant is currently uncertain.

GeneDx
Classification: Likely benign. Last evaluated: 2020-08-12. Review status: criteria provided, single submitter. Criteria: GeneDx Variant Classification Process June 2021. Collection method: clinical testing. Allele origin: germline. Affected: yes.

Ambry Genetics
Classification: Uncertain significance for Hereditary cancer-predisposing syndrome. Last evaluated: 2015-08-11. Review status: criteria provided, single submitter. Criteria: Ambry Autosomal Dominant and X-Linked criteria (10/2015). Collection method: clinical testing. Allele origin: germline. Observed: 1 variant allele.
Comment: The p.A861P variant (also known as c.2581G>C), located in coding exon 21 of the NF1 gene, results from a G to C substitution at nucleotide position 2581. The alanine at codon 861 is replaced by proline, an amino acid with highly similar properties. This variant was not reported in population based cohorts in the following databases: Database of Single Nucleotide Polymorphisms (dbSNP), NHLBI Exome Sequencing Project (ESP), and 1000 Genomes Project. In the ESP, this variant was not observed in 6503 samples (13006 alleles) with coverage at this position. To date, this alteration has been detected with an allele frequency of approximately 0.004% (greater than 110000 alleles tested) in our clinical cohort. This amino acid position is well conserved in available vertebrate species. However, this alteration is predicted to be benign and tolerated by PolyPhen and SIFT in silico analyses, respectively. Since supporting evidence is limited at this time, the clinical significance of p.A861P remains unclear.

Literature cited by the submitters: PubMed 29290338 (cited by Women's Health and Genetics/Laboratory Corporation of America, LabCorp); PubMed 31206626 (cited by Women's Health and Genetics/Laboratory Corporation of America, LabCorp).

NM_001042492.3(NF1):c.2581G>C (p.Ala861Pro)

Gene: NF1 (neurofibromin 1; plus strand). Cytogenetic location: 17q11.2.
Variant type: single nucleotide variant.
Coding change: c.2581G>C on transcript NM_001042492.3 (MANE Select); coding-DNA position 2581, G replaced by C.
Protein change: p.Ala861Pro; replaces alanine 861 with proline.
Molecular consequence: missense variant.
Genome position (GRCh38, 1-based): chr17:31,229,196, G>C. VCF-style: chr17-31229196-G-C. GRCh37 (hg19) VCF-style: chr17-29556214-G-C.
Other names: c.2581G>C, p.Ala861Pro (NM_000267.4); short protein forms A861P.
Identifiers: ClinVar variation 230343 (VCV000230343.19), dbSNP rs768425956, ClinGen allele CA8486001.